The following is an entry in ClinVar:

NM_133642.5(LARGE1):c.1614C>T (p.Gly538=)

Gene: LARGE1 (LARGE xylosyl- and glucuronyltransferase 1; minus strand). Cytogenetic location: 22q12.3.
Variant type: single nucleotide variant.
Coding change: c.1614C>T on transcript NM_133642.5 (MANE Select); coding-DNA position 1614, C replaced by T.
Protein change: p.Gly538=; no amino-acid change (glycine 538 retained).
Molecular consequence: synonymous variant.
Genome position (GRCh38, 1-based): chr22:33,304,345, G>A on the plus strand (C>T on the coding strand, the complement: LARGE1 is on the minus strand). VCF-style: chr22-33304345-G-A. GRCh37 (hg19) VCF-style: chr22-33700331-G-A.
Other names: c.1614C>T, p.Gly538= (NM_001362949.2, NM_001362951.2, NM_001362953.2 and 6 more transcripts); c.1458C>T, p.Gly486= (NM_001378629.1); c.1011C>T, p.Gly337= (NM_001378630.1); c.855C>T, p.Gly285= (NM_001378631.1).
Identifiers: ClinVar variation 509799 (VCV000509799.4), dbSNP rs749791648, ClinGen allele CA10202698.

ClinVar aggregate classification (germline): Likely benign. Review status: criteria provided, multiple submitters, no conflicts (2 of 4 stars). 2 submissions from 2 submitters: Likely benign (2). Last evaluated 2025-07-29.

Conditions:
Muscular dystrophy-dystroglycanopathy type B6 (MDDGB6). Also called: MUSCULAR DYSTROPHY-DYSTROGLYCANOPATHY (CONGENITAL WITH IMPAIRED INTELLECTUAL DEVELOPMENT), TYPE B, 6; MUSCULAR DYSTROPHY, CONGENITAL, LARGE-RELATED; MUSCULAR DYSTROPHY, CONGENITAL, TYPE 1D. Identifiers: MedGen C1837229, MONDO:0012138, OMIM 608840.

Allele frequency attached by ClinVar (database versions not stated): gnomAD exomes below 0.00001 and 0.00001; TOPMed below 0.00001; ExAC 0.00001.
gnomAD v4.1: 4 of 1,614,250 alleles (0.00025%); highest among the groups gnomAD compares: East Asian, 0.0089%; no homozygotes.

Submissions (2):

Labcorp Genetics (formerly Invitae), Labcorp
Classification: Likely benign for Muscular dystrophy-dystroglycanopathy type B6. Last evaluated: 2025-07-29. Review status: criteria provided, single submitter. Criteria: Invitae Variant Classification Sherloc (09022015). Collection method: clinical testing. Allele origin: germline.

GeneDx
Classification: Likely benign. Last evaluated: 2017-06-01. Review status: criteria provided, single submitter. Criteria: GeneDx Variant Classification (06012015). Collection method: clinical testing. Allele origin: germline. Affected: yes.
Comment: This variant is considered likely benign or benign based on one or more of the following criteria: it is a conservative change, it occurs at a poorly conserved position in the protein, it is predicted to be benign by multiple in silico algorithms, and/or has population frequency not consistent with disease.